The following is an entry in ClinVar:

ClinVar aggregate classification (germline): Benign/Likely benign. Review status: criteria provided, multiple submitters, no conflicts (2 of 4 stars). 5 submissions from 5 submitters: Benign (2); Likely benign (3). Last evaluated 2025-11-11.

Conditions:
Tuberous sclerosis 2 (TSC2). Identifiers: Orphanet 805, MedGen C1860707, MONDO:0013199, OMIM 613254.
Hereditary cancer-predisposing syndrome. Also called: Tumor predisposition; Hereditary Cancer Syndrome; Neoplastic Syndromes, Hereditary; Hereditary neoplastic syndrome. Identifiers: Orphanet 140162, MedGen C0027672, MeSH D009386, MONDO:0015356.

Allele frequency attached by ClinVar (database versions not stated): gnomAD exomes below 0.00001; TOPMed 0.00003; 1000 Genomes Project 30x 0.00016.
gnomAD v4.1: 8 of 1,601,548 alleles (0.0005%); highest among the groups gnomAD compares: South Asian, 0.0034%; no homozygotes.

Submissions (5):

Labcorp Genetics (formerly Invitae), Labcorp
Classification: Likely benign for Tuberous sclerosis 2. Last evaluated: 2025-11-11. Review status: criteria provided, single submitter. Criteria: Invitae Variant Classification Sherloc (09022015). Collection method: clinical testing. Allele origin: germline.

Myriad Genetics, Inc.
Classification: Benign for Tuberous sclerosis 2. Last evaluated: 2025-05-16. Review status: criteria provided, single submitter. Criteria: Myriad Autosomal Dominant, Autosomal Recessive and X-Linked Classification Criteria (2023). Collection method: clinical testing. Allele origin: unknown.
Comment: This variant is considered benign. This variant is a silent/synonymous amino acid change and it is not expected to impact splicing.

Genome-Nilou Lab
Classification: Benign for Tuberous sclerosis 2. Last evaluated: 2021-11-07. Review status: criteria provided, single submitter. Criteria: ACMG Guidelines, 2015. Collection method: clinical testing. Allele origin: germline. Affected: no.

Ambry Genetics
Classification: Likely benign for Hereditary cancer-predisposing syndrome. Last evaluated: 2021-09-15. Review status: criteria provided, single submitter. Criteria: Ambry Variant Classification Scheme 2023. Collection method: clinical testing. Allele origin: germline.

GeneDx
Classification: Likely benign. Last evaluated: 2021-03-19. Review status: criteria provided, single submitter. Criteria: GeneDx Variant Classification Process June 2021. Collection method: clinical testing. Allele origin: germline. Affected: yes.

NM_000548.5(TSC2):c.1980C>T (p.Ser660=)

Gene: TSC2 (TSC complex subunit 2; plus strand). Cytogenetic location: 16p13.3.
Variant type: single nucleotide variant.
Coding change: c.1980C>T on transcript NM_000548.5 (MANE Select); coding-DNA position 1980, C replaced by T.
Protein change: p.Ser660=; no amino-acid change (serine 660 retained).
Molecular consequence: synonymous variant.
Genome position (GRCh38, 1-based): chr16:2,071,817, C>T. VCF-style: chr16-2071817-C-T. GRCh37 (hg19) VCF-style: chr16-2121818-C-T.
Other names: c.1980C>T, p.Ser660= (NM_001077183.3, NM_001114382.3, NM_001363528.2 and 3 more transcripts); c.1869C>T, p.Ser623= (NM_001318827.2); c.1833C>T, p.Ser611= (NM_001318829.2); c.1380C>T, p.Ser460= (NM_001318831.2); c.2013C>T, p.Ser671= (NM_001318832.2).
Identifiers: ClinVar variation 751170 (VCV000751170.18), dbSNP rs959705365, ClinGen allele CA276737632.